The following is an entry in ClinVar:

NM_177438.3(DICER1):c.2041-11G>C

Gene: DICER1 (dicer 1, ribonuclease III; minus strand). Cytogenetic location: 14q32.13.
Variant type: single nucleotide variant.
Coding change: c.2041-11G>C on transcript NM_177438.3 (MANE Select); 11 bases into the intron before coding-DNA position 2041, G replaced by C.
Molecular consequence: intron variant.
Genome position (GRCh38, 1-based): chr14:95,112,258, C>G on the plus strand (G>C on the coding strand, the complement: DICER1 is on the minus strand). VCF-style: chr14-95112258-C-G. GRCh37 (hg19) VCF-style: chr14-95578595-C-G.
Other names: c.2041-11G>C (NM_001395693.1, NM_001395695.1, NM_001395692.1 and 12 more transcripts); c.1636-11G>C (NM_001395698.1, NM_001395690.1, NM_001395687.1 and 3 more transcripts); c.1759-11G>C (NM_001395686.1); c.1474-11G>C (NM_001395691.1); c.358-11G>C (NM_001395697.1).
Identifiers: ClinVar variation 4875822 (VCV004875822.1).
Genomic context (GRCh38, chr14:95,112,258, plus strand): 5'-ATGAGAGCTACAACTCTTTCAGCCAATCGTACACAGCTCATTGGTGGACCCTGAAAATAA[C>G]AAAAACCTTTCCATTATATATGCACATCGCTGTATTACCTCTAGCACATGAAACACCTAT-3'

ClinVar aggregate classification (germline): Likely benign (1 of 4 stars; one submission).

Conditions:
DICER1-related tumor predisposition. Also called: DICER1-related pleuropulmonary blastoma cancer predisposition syndrome; DICER1 syndrome. Identifiers: Orphanet 284343, MedGen C3839822, MONDO:0100216.

Submission:

Myriad Genetics, Inc.
Classification: Likely benign for DICER1-related tumor predisposition. Last evaluated: 2026-04-13. Review status: criteria provided, single submitter. Criteria: Myriad Autosomal Dominant, Autosomal Recessive and X-Linked Classification Criteria (2023). Collection method: clinical testing. Allele origin: unknown.
Comment: This variant is considered likely benign. This variant is intronic and is not expected to impact mRNA splicing.